The following is an entry in ClinVar:

ClinVar aggregate classification (germline): Likely pathogenic (1 of 4 stars; one submission).

Conditions:
Dilated cardiomyopathy 1G (CMD1G). Identifiers: Orphanet 154, MedGen C1858763, MONDO:0011400, OMIM 604145.
Autosomal recessive limb-girdle muscular dystrophy type 2J (LGMDR10). Also called: Limb-girdle muscular dystrophy, type 2J; MUSCULAR DYSTROPHY, LIMB-GIRDLE, AUTOSOMAL RECESSIVE 10. Identifiers: Orphanet 140922, MedGen C1837342, MONDO:0012127, OMIM 608807.

Submission:

Labcorp Genetics (formerly Invitae), Labcorp
Classification: Likely pathogenic for Dilated cardiomyopathy 1G; Autosomal recessive limb-girdle muscular dystrophy type 2J. Last evaluated: 2024-10-18. Review status: criteria provided, single submitter. Criteria: Invitae Variant Classification Sherloc (09022015). Collection method: clinical testing. Allele origin: germline.
Comment: This sequence change creates a premature translational stop signal (p.Lys10579*) in the TTN gene. While this is not anticipated to result in nonsense mediated decay, it is expected to create a truncated TTN protein. This variant is not present in population databases (gnomAD no frequency). This variant has not been reported in the literature in individuals affected with TTN-related conditions. ClinVar contains an entry for this variant (Variation ID: 2127371). Algorithms developed to predict the effect of sequence changes on RNA splicing suggest that this variant may disrupt the consensus splice site. This variant is located in the I band of TTN (PMID: 25589632). Truncating variants in this region have been reported in individuals affected with autosomal recessive centronuclear myopathy (PMID: 23975875, internal data). Truncating variants in this region have also been identified in individuals affected with autosomal dominant dilated cardiomyopathy and/or cardio-related conditions (PMID: 27869827, 32964742, internal data). In summary, the currently available evidence indicates that the variant is pathogenic, but additional data are needed to prove that conclusively. Therefore, this variant has been classified as Likely Pathogenic.

Literature cited by the submitters: PubMed 25589632; PubMed 23975875; PubMed 27869827; PubMed 32964742.

NM_001267550.2(TTN):c.31735A>T (p.Lys10579Ter)

Gene: TTN (titin; minus strand). Cytogenetic location: 2q31.2.
Variant type: single nucleotide variant.
Coding change: c.31735A>T on transcript NM_001267550.2 (MANE Select); coding-DNA position 31735, A replaced by T.
Protein change: p.Lys10579Ter; replaces lysine 10579 with a stop codon.
Molecular consequence: nonsense. On other transcripts: intron variant (3).
Genome position (GRCh38, 1-based): chr2:178,692,043, T>A on the plus strand (A>T on the coding strand, the complement: TTN is on the minus strand). VCF-style: chr2-178692043-T-A. GRCh37 (hg19) VCF-style: chr2-179556770-T-A.
Other names: c.30784A>T, p.Lys10262Ter (NM_001256850.1); c.28003A>T, p.Lys9335Ter (NM_133378.4); c.13282+46039A>T (NM_003319.4); c.13858+46039A>T (NM_133437.4); c.13657+46039A>T (NM_133432.3); short protein forms K9335*, K10262*, K10579*.
Identifiers: ClinVar variation 2127371 (VCV002127371.4), dbSNP rs376287951, ClinGen allele CA349559007.